The following is an entry in ClinVar:

ClinVar aggregate classification (germline): Benign/Likely benign. Review status: criteria provided, multiple submitters, no conflicts (2 of 4 stars). 4 submissions from 4 submitters: Benign (3); Likely benign (1). Last evaluated 2026-02-03.

Conditions:
Congenital stationary night blindness 1E. Also called: Night blindness, congenital stationary (complete), 1E, autosomal recessive. Identifiers: Orphanet 215, MedGen C3281215, MONDO:0013807, OMIM 614565.

Allele frequency attached by ClinVar (database versions not stated): 1000 Genomes Project 30x 0.01156; 1000 Genomes Project 0.01178; TOPMed 0.01773; gnomAD 0.02047 and 0.02067; ESP Exome Variant Server 0.02100.
gnomAD v4.1: 38,529 of 1,614,208 alleles (2.4%); highest among the groups gnomAD compares: Middle Eastern, 3.5%; 562 homozygotes.

Submissions (4):

Labcorp Genetics (formerly Invitae), Labcorp
Classification: Benign. Last evaluated: 2026-02-03. Review status: criteria provided, single submitter. Criteria: Invitae Variant Classification Sherloc (09022015). Collection method: clinical testing. Allele origin: germline.

Blueprint Genetics
Classification: Likely benign. Last evaluated: 2024-11-27. Review status: criteria provided, single submitter. Criteria: ACMG Guidelines, 2015. Collection method: clinical testing. Allele origin: germline.

Illumina Laboratory Services, Illumina
Classification: Benign for Congenital stationary night blindness 1E. Last evaluated: 2018-01-13. Review status: criteria provided, single submitter. Criteria: ICSL Variant Classification Criteria 13 December 2019. Collection method: clinical testing. Allele origin: germline.
Comment: This variant was observed in the ICSL laboratory as part of a predisposition screen in an ostensibly healthy population. It had not been previously curated by ICSL or reported in the Human Gene Mutation Database (HGMD: prior to June 1st, 2018), and was therefore a candidate for classification through an automated scoring system. Utilizing variant allele frequency, disease prevalence and penetrance estimates, and inheritance mode, an automated score was calculated to assess if this variant is too frequent to cause the disease. Based on the score and internal cut-off values, a variant classified as benign is not then subjected to further curation. The score for this variant resulted in a classification of benign for this disease.

Breakthrough Genomics
Classification: Benign. Review status: criteria provided, single submitter. Criteria: ACMG Guidelines, 2015. Collection method: not provided. Allele origin: germline. Inheritance: Autosomal recessive inheritance. Affected: yes.

NM_001004334.4(GPR179):c.5930C>A (p.Pro1977His)

Gene: GPR179 (G protein-coupled receptor 179; minus strand). Cytogenetic location: 17q12.
Variant type: single nucleotide variant.
Coding change: c.5930C>A on transcript NM_001004334.4 (MANE Select); coding-DNA position 5930, C replaced by A.
Protein change: p.Pro1977His; replaces proline 1977 with histidine.
Molecular consequence: missense variant.
Genome position (GRCh38, 1-based): chr17:38,327,639, G>T on the plus strand (C>A on the coding strand, the complement: GPR179 is on the minus strand). VCF-style: chr17-38327639-G-T. GRCh37 (hg19) VCF-style: chr17-36483522-G-T.
Other names: short protein forms P1977H.
Identifiers: ClinVar variation 322976 (VCV000322976.15), dbSNP rs62073368, ClinGen allele CA10649153.
Genomic context (GRCh38, chr17:38,327,639, plus strand): 5'-ACGTCAGCGGCCCTGCCCCCAGTGCTGACCAGTCTCTGGGAGCTAGCTTTAGGTTGGTCA[G>T]GGCGCTGTCTGTCTAGGTGAGAGACGGAATCTGCTGGGGCAGTGGTCTCCCATGGACAGA-3'
Protein context (NP_001004334.3, residues 1967-1987): DSVSHLDRQR[Pro1977His]DQPKASSQRL